The following is an entry in ClinVar:

NM_003136.4(SRP54):c.5T>G (p.Val2Gly)

Gene: SRP54 (signal recognition particle 54; plus strand). Cytogenetic location: 14q13.2.
Variant type: single nucleotide variant.
Coding change: c.5T>G on transcript NM_003136.4 (MANE Select); coding-DNA position 5, T replaced by G.
Protein change: p.Val2Gly; replaces valine 2 with glycine.
Molecular consequence: missense variant. On other transcripts: 5 prime UTR variant (1).
Genome position (GRCh38, 1-based): chr14:34,996,714, T>G. VCF-style: chr14-34996714-T-G. GRCh37 (hg19) VCF-style: chr14-35465920-T-G.
Other names: c.-51T>G (NM_001146282.2); c.5T>G, p.Val2Gly (NM_001411017.1); short protein forms V2G.
Identifiers: ClinVar variation 2502671 (VCV002502671.1), dbSNP rs2502702250, ClinGen allele CA389435851.

ClinVar aggregate classification (germline): Uncertain significance (1 of 4 stars; one submission).

Submission:

GeneDx
Classification: Uncertain significance. Last evaluated: 2022-11-16. Review status: criteria provided, single submitter. Criteria: GeneDx Variant Classification Process June 2021. Collection method: clinical testing. Allele origin: germline. Affected: yes.
Comment: Not observed at significant frequency in large population cohorts (gnomAD); In silico analysis supports that this missense variant has a deleterious effect on protein structure/function; Has not been previously published as pathogenic or benign to our knowledge